The following is an entry in ClinVar:

NM_013335.4(GMPPA):c.901-10C>T

Genes: ASIC4-AS1 (ASIC4 antisense RNA 1; minus strand), GMPPA (GDP-mannose pyrophosphorylase A; plus strand). Cytogenetic location: 2q35.
Variant type: single nucleotide variant.
Coding change: c.901-10C>T on transcript NM_013335.4 (MANE Select); 10 bases into the intron before coding-DNA position 901, C replaced by T.
Molecular consequence: intron variant.
Genome position (GRCh38, 1-based): chr2:219,505,970, C>T. VCF-style: chr2-219505970-C-T. GRCh37 (hg19) VCF-style: chr2-220370692-C-T.
Other names: c.901-10C>T (NM_205847.3).
Identifiers: ClinVar variation 507879 (VCV000507879.1), dbSNP rs1301943393, ClinGen allele CA658796181.

ClinVar aggregate classification (germline): Likely benign (1 of 4 stars; one submission).

Allele frequency attached by ClinVar (database versions not stated): TOPMed below 0.00001; gnomAD 0.00001.

Submission:

GeneDx
Classification: Likely benign. Last evaluated: 2017-03-15. Review status: criteria provided, single submitter. Criteria: GeneDx Variant Classification (06012015). Collection method: clinical testing. Allele origin: germline. Affected: yes.
Comment: This variant is considered likely benign or benign based on one or more of the following criteria: it is a conservative change, it occurs at a poorly conserved position in the protein, it is predicted to be benign by multiple in silico algorithms, and/or has population frequency not consistent with disease.